The following is an entry in ClinVar:

NM_022166.4(XYLT1):c.1854G>T (p.Gly618=)

Genes: XYLT1 (xylosyltransferase 1; minus strand), LOC102723692 (uncharacterized LOC102723692; plus strand). Cytogenetic location: 16p12.3.
Variant type: single nucleotide variant.
Coding change: c.1854G>T on transcript NM_022166.4 (MANE Select); coding-DNA position 1854, G replaced by T.
Protein change: p.Gly618=; no amino-acid change (glycine 618 retained).
Molecular consequence: synonymous variant.
Genome position (GRCh38, 1-based): chr16:17,134,646, C>A on the plus strand (G>T on the coding strand, the complement: XYLT1 is on the minus strand). VCF-style: chr16-17134646-C-A. GRCh37 (hg19) VCF-style: chr16-17228503-C-A.
Other names: c.1854G>T (NM_022166.3).
Identifiers: ClinVar variation 1166069 (VCV001166069.25), dbSNP rs77836443, ClinGen allele CA7927747.

ClinVar aggregate classification (germline): Benign/Likely benign. Review status: criteria provided, multiple submitters, no conflicts (2 of 4 stars). 3 submissions from 3 submitters: Benign (1); Likely benign (2). Last evaluated 2026-07-01.

Conditions:
Desbuquois dysplasia 1 (DBQD1). Also called: DESBUQUOIS DYSPLASIA 1, KIM VARIANT; MICROMELIC DWARFISM WITH VERTEBRAL AND METAPHYSEAL ABNORMALITIES AND ADVANCED CARPOTARSAL OSSIFICATION. Identifiers: Orphanet 1425, MedGen C4012146, MONDO:0009629, OMIM 251450.
XYLT1-related disorder. Also called: XYLT1-related condition.

Allele frequency attached by ClinVar (database versions not stated): 1000 Genomes Project 0.00120; 1000 Genomes Project 30x 0.00141; gnomAD 0.00214 and 0.00230; ESP Exome Variant Server 0.00262; gnomAD exomes 0.00021 and 0.00056; ExAC 0.00069.

Submissions (5):

CeGaT Center for Human Genetics Tuebingen
Classification: Likely benign. Last evaluated: 2026-07-01. Review status: criteria provided, single submitter. Criteria: CeGaT Center For Human Genetics Tuebingen Variant Classification Criteria Version 2. Collection method: clinical testing. Allele origin: germline. Affected: yes. Observed: 2 variant alleles.
Comment: XYLT1: BP7

PreventionGenetics, part of Exact Sciences
Classification: Likely benign for XYLT1-related condition. Last evaluated: 2026-03-26. Review status: criteria provided, single submitter. Criteria: ACMG Guidelines, 2015. Collection method: clinical testing. Allele origin: germline.
Comment: This variant is classified as likely benign based on ACMG/AMP sequence variant interpretation guidelines (Richards et al. 2015 PMID: 25741868, with internal and published modifications).

Labcorp Genetics (formerly Invitae), Labcorp
Classification: Benign for Desbuquois dysplasia 1. Last evaluated: 2025-12-08. Review status: criteria provided, single submitter. Criteria: Invitae Variant Classification Sherloc (09022015). Collection method: clinical testing. Allele origin: germline.

Dr. Peter K. Rogan Lab, Western University
No classification provided (evidence only). Condition: Lung cancer. Review status: no classification provided. Collection method: in vitro. Allele origin: not applicable. Functional consequence: retained intron. Not counted in ClinVar's aggregate classification.

Dr. Peter K. Rogan Lab, Western University
No classification provided (evidence only). Condition: Familial cancer of breast. Review status: no classification provided. Collection method: in vitro. Allele origin: not applicable. Functional consequence: retained intron. Not counted in ClinVar's aggregate classification.